The following is an entry in ClinVar:

ClinVar aggregate classification (germline): Uncertain significance. Review status: criteria provided, multiple submitters, no conflicts (2 of 4 stars). 3 submissions from 3 submitters: Uncertain significance (2). 1 of the submissions does not count toward it. Last evaluated 2022-03-31.

Conditions:
Autosomal recessive polycystic kidney disease (ARPKD). Also called: AR polycystic kidney disease. Identifiers: Orphanet 731, Orphanet 8378, MedGen C0085548, MeSH D017044, MONDO:0009889.
Polycystic kidney disease 4 (PKD4). Also called: POLYCYSTIC KIDNEY DISEASE 4 WITH OR WITHOUT POLYCYSTIC LIVER DISEASE; PKD3; POLYCYSTIC KIDNEY AND HEPATIC DISEASE 1; POLYCYSTIC KIDNEY DISEASE, INFANTILE, TYPE I; Autosomal Recessive Polycystic Kidney Disease – PKHD1. Identifiers: MedGen C4540575, MONDO:0033004, OMIM 263200.
PKHD1-related disorder. Also called: PKHD1-related condition.

Allele frequency attached by ClinVar (database versions not stated): TOPMed 0.00001.
gnomAD v4.1: 5 of 1,613,580 alleles (0.00031%); highest among the groups gnomAD compares: Non-Finnish European, 0.00042%; no homozygotes.

Submissions (3):

Victorian Clinical Genetics Services, Murdoch Childrens Research Institute
Classification: Uncertain significance for Polycystic kidney disease 4. Last evaluated: 2022-03-31. Review status: criteria provided, single submitter. Criteria: ACMG Guidelines, 2015. Collection method: clinical testing. Allele origin: germline. Inheritance: Autosomal recessive inheritance.
Comment: Based on the classification scheme VCGS_Germline_v1.3.4, this variant is classified as VUS-3A. Following criteria are met: 0102 - Loss of function is a known mechanism of disease in this gene and is associated with polycystic kidney disease 4, with or without hepatic disease (MIM#263200). (I) 0106 - This gene is associated with autosomal recessive disease. (I) 0200 - Variant is predicted to result in a missense amino acid change from glycine to arginine. (I) 0251 - This variant is heterozygous. (I) 0304 - Variant is present in gnomAD (v3) <0.01 for a recessive condition (1 heterozygote, 0 homozygotes). (SP) 0309 - An alternative amino acid change at the same position has been observed in gnomAD (v2) (6 heterozygotes, 0 homozygotes). (I) 0501 - Missense variant consistently predicted to be damaging by multiple in silico tools or highly conserved with a major amino acid change. (SP) 0604 - Variant is not located in an established domain, motif, hotspot or informative constraint region. (I) 0710 - Another missense variant comparable to the one identified in this case has inconclusive previous evidence for pathogenicity. The alternative change p.(Gly1746Ser) has been found in a likely heterozygous individual with autosomal recessive polycystic kidney disease (ARPKD), and was considered a VUS by the authors (PMID: 15805161). However, LOVD reports this variant as pathogenic in the same individual. (I) 0803 - This variant has limited previous evidence of pathogenicity in unrelated individuals. It has been reported in a compound heterozygote individual with ARPKD (PMID: 15698423, LOVD). (SP) 0905 - No published segregation evidence has been identified for this variant. (I) 1007 - No published functional evidence has been identified for this variant. (I) 1208 - Inheritance information for this variant is not currently available in this individual. (I) Legend: (SP) - Supporting pathogenic, (I) - Information, (SB) - Supporting benign

Labcorp Genetics (formerly Invitae), Labcorp
Classification: Uncertain significance for Autosomal recessive polycystic kidney disease. Last evaluated: 2021-12-28. Review status: criteria provided, single submitter. Criteria: Invitae Variant Classification Sherloc (09022015). Collection method: clinical testing. Allele origin: germline.
Comment: This sequence change affects codon 1746 of the PKHD1 mRNA. It is a 'silent' change, meaning that it does not change the encoded amino acid sequence of the PKHD1 protein. This variant also falls at the last nucleotide of exon 32, which is part of the consensus splice site for this exon. This variant is not present in population databases (gnomAD no frequency). This variant has been observed in individual(s) with polycystic kidney disease (PMID: 15698423). In at least one individual the data is consistent with being in trans (on the opposite chromosome) from a pathogenic variant. ClinVar contains an entry for this variant (Variation ID: 632490). Algorithms developed to predict the effect of missense changes on protein structure and function are either unavailable or do not agree on the potential impact of this missense change (SIFT: "Deleterious"; PolyPhen-2: "Probably Damaging"; Align-GVGD: "Class C0"). Variants that disrupt the consensus splice site are a relatively common cause of aberrant splicing (PMID: 17576681, 9536098). Algorithms developed to predict the effect of sequence changes on RNA splicing suggest that this variant may disrupt the consensus splice site. In summary, the available evidence is currently insufficient to determine the role of this variant in disease. Therefore, it has been classified as a Variant of Uncertain Significance.

PreventionGenetics, part of Exact Sciences
Classification: Likely pathogenic for PKHD1-related condition. Last evaluated: 2024-07-22. Review status: no assertion criteria provided. Collection method: clinical testing. Allele origin: germline. Not counted in ClinVar's aggregate classification.
Comment: The PKHD1 c.5236G>C variant is predicted to result in the amino acid substitution p.Gly1746Arg. This variant was reported in trans with a pathogenic PKHD1 variant p.Tyr1838Cys in an individual with autosomal-recessive polycystic kidney disease (ARPKD) (Bergmann et al. 2005. PubMed ID: 15698423). This variant has not been reported in a large population database, indicating this variant is rare. This variant occurs at the last nucleotide of exon 1 and is predicted to impact splicing according to splice-prediction in silico tools (Alamut Visual Plus v1.6.1 and Splice AI, Jaganathan et al. 2019. PubMed ID: 30661751). Truncating variants in PKHD1, such as splice variants, are expected to be pathogenic. Of note, another nucleotide change at this position, c.5236G>A resulting in p.Gly1746Ser, has been reported in an individual with PKD, supporting a functional importance for this position (Sharp et al. 2005. PubMed ID: 15805161). Therefore, the c.5236G>C (p.Gly1746Arg) variant is interpreted as likely pathogenic.

Literature cited by the submitters: PubMed 15698423 (cited by Victorian Clinical Genetics Services, Murdoch Childrens Research Institute and Labcorp Genetics (formerly Invitae), Labcorp); PubMed 15805161 (cited by Victorian Clinical Genetics Services, Murdoch Childrens Research Institute); PubMed 17576681 (cited by Labcorp Genetics (formerly Invitae), Labcorp); PubMed 9536098 (cited by Labcorp Genetics (formerly Invitae), Labcorp).

NM_138694.4(PKHD1):c.5236G>C (p.Gly1746Arg)

Genes: PKHD1 (PKHD1 ciliary IPT domain containing fibrocystin/polyductin; minus strand), LOC126859690 (MED14-independent group 3 enhancer GRCh37_chr6:51888848-51890047; plus strand). Cytogenetic location: 6p12.2.
Variant type: single nucleotide variant.
Coding change: c.5236G>C on transcript NM_138694.4 (MANE Select); coding-DNA position 5236, G replaced by C.
Protein change: p.Gly1746Arg; replaces glycine 1746 with arginine.
Molecular consequence: missense variant.
Genome position (GRCh38, 1-based): chr6:52,024,574, C>G on the plus strand (G>C on the coding strand, the complement: PKHD1 is on the minus strand). VCF-style: chr6-52024574-C-G. GRCh37 (hg19) VCF-style: chr6-51889372-C-G.
Other names: c.5236G>C, p.Gly1746Arg (NM_170724.3); short protein forms G1746R.
Identifiers: ClinVar variation 632490 (VCV000632490.8), dbSNP rs745387993, ClinGen allele CA138945813.